The following is an entry in ClinVar:

NM_000094.4(COL7A1):c.8760del (p.Thr2921fs)

Gene: COL7A1 (collagen type VII alpha 1 chain; minus strand). Cytogenetic location: 3p21.31.
Variant type: Deletion.
Coding change: c.8760del on transcript NM_000094.4 (MANE Select); coding-DNA position 8760, one base deleted (G; older notation c.8760delG).
Protein change: p.Thr2921fs; shifts the reading frame from threonine 2921.
Molecular consequence: frameshift variant.
Genome position (GRCh38, 1-based): chr3:48,564,841, C deleted on the plus strand (G on the coding strand, the reverse complement: COL7A1 is on the minus strand); the first of 3 consecutive C bases (chr3:48,564,841-48,564,843); deleting any one gives the same sequence. VCF-style (leftmost placement, unchanged base first): chr3-48564840-TC-T. GRCh37 (hg19) VCF-style: chr3-48602273-TC-T.
Other names: c.8760del (NM_000094.3); c.8758delG, p.Thr2921Profs (NM_000094.3); short protein forms T2921fs.
Identifiers: ClinVar variation 2734494 (VCV002734494.4), dbSNP rs1486657575, ClinGen allele CA543045515.

ClinVar aggregate classification (germline): Pathogenic/Likely pathogenic. Review status: criteria provided, multiple submitters, no conflicts (2 of 4 stars). 2 submissions from 2 submitters: Pathogenic (1); Likely pathogenic (1). Last evaluated 2026-02-02.

Submissions (2):

GeneDx
Classification: Likely pathogenic. Last evaluated: 2026-02-02. Review status: criteria provided, single submitter. Criteria: GeneDx Variant Classification Process June 2021. Collection method: clinical testing. Allele origin: germline.
Comment: Frameshift variant predicted to result in abnormal protein length as the last 24 amino acids are replaced with 30 different amino acids, and other similar variants have been reported in HGMD; Not observed at significant frequency in large population cohorts (gnomAD); This variant is associated with the following publications: (PMID: 8618018)

Labcorp Genetics (formerly Invitae), Labcorp
Classification: Pathogenic. Last evaluated: 2026-01-22. Review status: criteria provided, single submitter. Criteria: Invitae Variant Classification Sherloc (09022015). Collection method: clinical testing. Allele origin: germline.
Comment: This sequence change is expected to alter the c-terminus of the COL7A1 protein (p.Thr2921Profs*31). While this is not anticipated to result in nonsense mediated decay, it is expected to disrupt the last 24 amino acid(s) of the COL7A1 protein and extend the protein by 6 additional amino acid residues. This variant is present in population databases (no rsID available, gnomAD 0.007%). This frameshift has been observed in individual(s) with dystrophic epidermolysis bullosa (PMID: 8618018). In at least one individual the data is consistent with being in trans (on the opposite chromosome) from a pathogenic variant. ClinVar contains an entry for this variant (Variation ID: 2734494). For these reasons, this variant has been classified as Pathogenic.

Literature cited by the submitters: PubMed 8618018 (cited by Labcorp Genetics (formerly Invitae), Labcorp).